The following is an entry in ClinVar:

NM_000548.5(TSC2):c.998T>C (p.Val333Ala)

Gene: TSC2 (TSC complex subunit 2; plus strand). Cytogenetic location: 16p13.3.
Variant type: single nucleotide variant.
Coding change: c.998T>C on transcript NM_000548.5 (MANE Select); coding-DNA position 998, T replaced by C.
Protein change: p.Val333Ala; replaces valine 333 with alanine.
Molecular consequence: missense variant.
Genome position (GRCh38, 1-based): chr16:2,060,692, T>C. VCF-style: chr16-2060692-T-C. GRCh37 (hg19) VCF-style: chr16-2110693-T-C.
Other names: c.998T>C, p.Val333Ala (NM_001077183.3, NM_001114382.3, NM_001363528.2 and 3 more transcripts); c.887T>C, p.Val296Ala (NM_001318827.2); c.851T>C, p.Val284Ala (NM_001318829.2); c.398T>C, p.Val133Ala (NM_001318831.2); c.1031T>C, p.Val344Ala (NM_001318832.2); short protein forms V344A, V133A, V333A, V284A, V296A.
Identifiers: ClinVar variation 823592 (VCV000823592.7), dbSNP rs781423177, ClinGen allele CA056892.

ClinVar aggregate classification (germline): Uncertain significance. Review status: criteria provided, multiple submitters, no conflicts (2 of 4 stars). 2 submissions from 2 submitters: Uncertain significance (2). Last evaluated 2023-08-16.

Conditions:
Tuberous sclerosis 2 (TSC2). Identifiers: Orphanet 805, MedGen C1860707, MONDO:0013199, OMIM 613254.
Hereditary cancer-predisposing syndrome. Also called: Hereditary Cancer Syndrome; Neoplastic Syndromes, Hereditary; Hereditary neoplastic syndrome; Tumor predisposition. Identifiers: Orphanet 140162, MedGen C0027672, MeSH D009386, MONDO:0015356.

Allele frequency attached by ClinVar (database versions not stated): ExAC 0.00001.

Submissions (2):

Labcorp Genetics (formerly Invitae), Labcorp
Classification: Uncertain significance for Tuberous sclerosis 2. Last evaluated: 2023-08-16. Review status: criteria provided, single submitter. Criteria: Invitae Variant Classification Sherloc (09022015). Collection method: clinical testing. Allele origin: germline.
Comment: ClinVar contains an entry for this variant (Variation ID: 823592). This variant has not been reported in the literature in individuals affected with TSC2-related conditions. This variant is present in population databases (rs781423177, gnomAD 0.0009%). This sequence change replaces valine, which is neutral and non-polar, with alanine, which is neutral and non-polar, at codon 333 of the TSC2 protein (p.Val333Ala). Advanced modeling of protein sequence and biophysical properties (such as structural, functional, and spatial information, amino acid conservation, physicochemical variation, residue mobility, and thermodynamic stability) performed at Invitae indicates that this missense variant is not expected to disrupt TSC2 protein function. In summary, the available evidence is currently insufficient to determine the role of this variant in disease. Therefore, it has been classified as a Variant of Uncertain Significance.

Ambry Genetics
Classification: Uncertain significance for Hereditary cancer-predisposing syndrome. Last evaluated: 2018-11-21. Review status: criteria provided, single submitter. Criteria: Ambry Variant Classification Scheme 2023. Collection method: clinical testing. Allele origin: germline.
Comment: The p.V333A variant (also known as c.998T>C), located in coding exon 10 of the TSC2 gene, results from a T to C substitution at nucleotide position 998. The valine at codon 333 is replaced by alanine, an amino acid with similar properties. This amino acid position is highly conserved in available vertebrate species. In addition, this alteration is predicted to be deleterious by in silico analysis. Since supporting evidence is limited at this time, the clinical significance of this alteration remains unclear.